The following is an entry in ClinVar:

NM_004360.5(CDH1):c.1808G>A (p.Cys603Tyr)

Gene: CDH1 (cadherin 1; plus strand). Cytogenetic location: 16q22.1.
Variant type: single nucleotide variant.
Coding change: c.1808G>A on transcript NM_004360.5 (MANE Select); coding-DNA position 1808, G replaced by A.
Protein change: p.Cys603Tyr; replaces cysteine 603 with tyrosine.
Molecular consequence: missense variant. On other transcripts: 5 prime UTR variant (1).
Genome position (GRCh38, 1-based): chr16:68,822,097, G>A. VCF-style: chr16-68822097-G-A. GRCh37 (hg19) VCF-style: chr16-68856000-G-A.
Other names: c.1808G>A (LRG_301t1); c.1625G>A, p.Cys542Tyr (NM_001317184.2); c.260G>A, p.Cys87Tyr (NM_001317185.2); c.-158G>A (NM_001317186.2); short protein forms C603Y, C87Y, C542Y.
Identifiers: ClinVar variation 481145 (VCV000481145.11), dbSNP rs864622612, ClinGen allele CA396466761.

ClinVar aggregate classification (germline): Uncertain significance. Review status: criteria provided, multiple submitters, no conflicts (2 of 4 stars). 2 submissions from 2 submitters: Uncertain significance (2). Last evaluated 2023-04-06.

Conditions:
Hereditary cancer-predisposing syndrome. Also called: Hereditary neoplastic syndrome; Neoplastic Syndromes, Hereditary; Tumor predisposition; Hereditary Cancer Syndrome. Identifiers: Orphanet 140162, MedGen C0027672, MeSH D009386, MONDO:0015356.
Hereditary diffuse gastric adenocarcinoma (HDGC). Also called: DIFFUSE GASTRIC AND LOBULAR BREAST CANCER SYNDROME. Identifiers: Orphanet 26106, MedGen C1708349, MONDO:0007648, OMIM 137215.

Submissions (2):

Labcorp Genetics (formerly Invitae), Labcorp
Classification: Uncertain significance for Hereditary diffuse gastric adenocarcinoma. Last evaluated: 2023-04-06. Review status: criteria provided, single submitter. Criteria: Invitae Variant Classification Sherloc (09022015). Collection method: clinical testing. Allele origin: germline.
Comment: An algorithm developed to predict the effect of missense changes on protein structure and function (PolyPhen-2) suggests that this variant is likely to be disruptive. This sequence change replaces cysteine, which is neutral and slightly polar, with tyrosine, which is neutral and polar, at codon 603 of the CDH1 protein (p.Cys603Tyr). This variant is not present in population databases (gnomAD no frequency). This variant has not been reported in the literature in individuals affected with CDH1-related conditions. ClinVar contains an entry for this variant (Variation ID: 481145). In summary, the available evidence is currently insufficient to determine the role of this variant in disease. Therefore, it has been classified as a Variant of Uncertain Significance.

Ambry Genetics
Classification: Uncertain significance for Hereditary cancer-predisposing syndrome. Last evaluated: 2017-04-10. Review status: criteria provided, single submitter. Criteria: Ambry Variant Classification Scheme 2023. Collection method: clinical testing. Allele origin: germline.
Comment: The p.C603Y variant (also known as c.1808G>A), located in coding exon 12 of the CDH1 gene, results from a G to A substitution at nucleotide position 1808. The cysteine at codon 603 is replaced by tyrosine, an amino acid with highly dissimilar properties. This amino acid position is highly conserved in available vertebrate species. In addition, this alteration is predicted to be deleterious by in silico analysis. Since supporting evidence is conflicting at this time, the clinical significance of this alteration remains unclear.